The following is an entry in ClinVar:

NM_032043.3(BRIP1):c.2030G>A (p.Gly677Glu)

Gene: BRIP1 (BRCA1 interacting DNA helicase 1; minus strand). Cytogenetic location: 17q23.2.
Variant type: single nucleotide variant.
Coding change: c.2030G>A on transcript NM_032043.3 (MANE Select); coding-DNA position 2030, G replaced by A.
Protein change: p.Gly677Glu; replaces glycine 677 with glutamic acid.
Molecular consequence: missense variant.
Genome position (GRCh38, 1-based): chr17:61,776,468, C>T on the plus strand (G>A on the coding strand, the complement: BRIP1 is on the minus strand). VCF-style: chr17-61776468-C-T. GRCh37 (hg19) VCF-style: chr17-59853829-C-T.
Other names: short protein forms G677E.
Identifiers: ClinVar variation 566824 (VCV000566824.9), dbSNP rs1567808797, ClinGen allele CA400478266.
Genomic context (GRCh38, chr17:61,776,468, plus strand): 5'-GATGGCAAGAAACACAAAATTCCTTGGCTCACAGTCTGGCACACAGATAACAAAAGTGCT[C>T]CCACTTCATCTTGGAACTCAAATGTTTCAGTATTCTGGAAGGTAGCACAGAGATTCCGAC-3'
Protein context (NP_114432.2, residues 667-687): TETFEFQDEV[Gly677Glu]ALLLSVCQTV

ClinVar aggregate classification (germline): Uncertain significance (1 of 4 stars; one submission).

Conditions:
Fanconi anemia complementation group J. Also called: BRIP1-Related Fanconi Anemia. Identifiers: Orphanet 84, MedGen C1836860, MONDO:0012187, OMIM 609054.
Familial cancer of breast. Also called: Hereditary breast cancer; BREAST CANCER, FAMILIAL; hereditary breast carcinoma. Identifiers: Orphanet 227535, MedGen C0346153, MONDO:0016419, OMIM 114480. Disease mechanism: loss of function.

Allele frequency attached by ClinVar (database versions not stated): gnomAD 0.00001.
gnomAD v4.1: 1 of 1,614,126 alleles (0.000062%); highest among the groups gnomAD compares: Non-Finnish European, 0.000085%; no homozygotes.

Submission:

Labcorp Genetics (formerly Invitae), Labcorp
Classification: Uncertain significance for Familial cancer of breast; Fanconi anemia complementation group J. Last evaluated: 2022-01-06. Review status: criteria provided, single submitter. Criteria: Invitae Variant Classification Sherloc (09022015). Collection method: clinical testing. Allele origin: germline.
Comment: In summary, the available evidence is currently insufficient to determine the role of this variant in disease. Therefore, it has been classified as a Variant of Uncertain Significance. Algorithms developed to predict the effect of missense changes on protein structure and function are either unavailable or do not agree on the potential impact of this missense change (SIFT: "Tolerated"; PolyPhen-2: "Probably Damaging"; Align-GVGD: "Class C0"). ClinVar contains an entry for this variant (Variation ID: 566824). This variant has not been reported in the literature in individuals affected with BRIP1-related conditions. This variant is not present in population databases (gnomAD no frequency). This sequence change replaces glycine, which is neutral and non-polar, with glutamic acid, which is acidic and polar, at codon 677 of the BRIP1 protein (p.Gly677Glu).